The following is an entry in ClinVar:

ClinVar aggregate classification (germline): Benign. Review status: criteria provided, multiple submitters, no conflicts (2 of 4 stars). 3 submissions from 2 submitters: Benign (3). Last evaluated 2021-07-01.

Conditions:
Mucolipidosis type II. Also called: Mucolipidosis II Alpha/Beta; ML II ALPHA/BETA; Mucolipidosis 2; ML 2; Inclusion cell disease; Leroy Disease. Identifiers: Orphanet 576, MedGen C2673377, MONDO:0009650, OMIM 252500.
Pseudo-Hurler polydystrophy. Also called: MUCOLIPIDOSIS IIIA; ML III; ML III ALPHA/BETA; Type III Mucolipidosis; ML IIIA; Mucolipidosis III Alpha/Beta. Identifiers: Orphanet 423461, Orphanet 577, MedGen C0033788, MONDO:0018931, OMIM 252600.

Allele frequency attached by ClinVar (database versions not stated): TOPMed 0.26378; 1000 Genomes Project 0.26657; gnomAD 0.26058 and 0.26376; 1000 Genomes Project 30x 0.26718.
gnomAD v4.1: 39,564 of 152,130 alleles (26%); highest among the groups gnomAD compares: African/African-American, 35%; 5,483 homozygotes.

Submissions (3):

Genome-Nilou Lab
Classification: Benign for Mucolipidosis type II. Last evaluated: 2021-07-01. Review status: criteria provided, single submitter. Criteria: ACMG Guidelines, 2015. Collection method: clinical testing. Allele origin: germline. Affected: no.

Genome-Nilou Lab
Classification: Benign for Pseudo-Hurler polydystrophy. Last evaluated: 2021-07-01. Review status: criteria provided, single submitter. Criteria: ACMG Guidelines, 2015. Collection method: clinical testing. Allele origin: germline. Affected: no.

GeneDx
Classification: Benign. Last evaluated: 2018-06-19. Review status: criteria provided, single submitter. Criteria: GeneDx Variant Classification (06012015). Collection method: clinical testing. Allele origin: germline. Affected: yes.
Comment: This variant is considered likely benign or benign based on one or more of the following criteria: it is a conservative change, it occurs at a poorly conserved position in the protein, it is predicted to be benign by multiple in silico algorithms, and/or has population frequency not consistent with disease.

NM_024312.5(GNPTAB):c.117+215C>T

Genes: GNPTAB (N-acetylglucosamine-1-phosphate transferase subunits alpha and beta; minus strand), LOC124646390 (Sharpr-MPRA regulatory region 5955; plus strand). Cytogenetic location: 12q23.2.
Variant type: single nucleotide variant.
Coding change: c.117+215C>T on transcript NM_024312.5 (MANE Select); 215 bases into the intron after coding-DNA position 117, C replaced by T.
Molecular consequence: intron variant.
Genome position (GRCh38, 1-based): chr12:101,830,344, G>A on the plus strand (C>T on the coding strand, the complement: GNPTAB is on the minus strand). VCF-style: chr12-101830344-G-A. GRCh37 (hg19) VCF-style: chr12-102224122-G-A.
Identifiers: ClinVar variation 672050 (VCV000672050.4), dbSNP rs7980363, ClinGen allele CA13630105.